The following is an entry in ClinVar:

NM_001083614.2(EARS2):c.89G>A (p.Gly30Asp)

Genes: EARS2 (glutamyl-tRNA synthetase 2, mitochondrial; minus strand), LOC130058664 (ATAC-STARR-seq lymphoblastoid active region 10583; plus strand). Cytogenetic location: 16p12.2.
Variant type: single nucleotide variant.
Coding change: c.89G>A on transcript NM_001083614.2 (MANE Select); coding-DNA position 89, G replaced by A.
Protein change: p.Gly30Asp; replaces glycine 30 with aspartic acid.
Molecular consequence: missense variant. On other transcripts: non-coding transcript variant (1).
Genome position (GRCh38, 1-based): chr16:23,557,255, C>T on the plus strand (G>A on the coding strand, the complement: EARS2 is on the minus strand). VCF-style: chr16-23557255-C-T. GRCh37 (hg19) VCF-style: chr16-23568576-C-T.
Other names: c.89G>A, p.Gly30Asp (NM_001308211.1); short protein forms G30D.
Identifiers: ClinVar variation 4282228 (VCV004282228.1).

ClinVar aggregate classification (germline): Uncertain significance (1 of 4 stars; one submission).

gnomAD v4.1: 9 of 1,523,104 alleles (0.00059%); highest among the groups gnomAD compares: Admixed American, 0.0022%; no homozygotes.

Submission:

GeneDx
Classification: Uncertain significance. Last evaluated: 2025-04-19. Review status: criteria provided, single submitter. Criteria: GeneDx Variant Classification Process June 2021. Collection method: clinical testing. Allele origin: germline. Affected: yes.
Comment: Not observed at significant frequency in large population cohorts (gnomAD); In silico analysis indicates that this missense variant does not alter protein structure/function; Has not been previously published as pathogenic or benign to our knowledge